The following is an entry in ClinVar:

NM_002224.4(ITPR3):c.1427T>C (p.Leu476Pro)

Gene: ITPR3 (inositol 1,4,5-trisphosphate receptor type 3; plus strand). Cytogenetic location: 6p21.31.
Variant type: single nucleotide variant.
Coding change: c.1427T>C on transcript NM_002224.4 (MANE Select); coding-DNA position 1427, T replaced by C.
Protein change: p.Leu476Pro; replaces leucine 476 with proline.
Molecular consequence: missense variant.
Genome position (GRCh38, 1-based): chr6:33,665,852, T>C. VCF-style: chr6-33665852-T-C. GRCh37 (hg19) VCF-style: chr6-33633629-T-C.
Other names: short protein forms L476P.
Identifiers: ClinVar variation 4852783 (VCV004852783.1).
Genomic context (GRCh38, chr6:33,665,852, plus strand): 5'-GGTGGGTATCTCACACTCGTCATCCCCGGGTCCCCTCACCCAGGTTTGTCATCCAGCTGC[T>C]GGAAGACCTGGTGTTCTTTGTCAGCGATGTCCCCAACAATGGGCAGAATGTCCTGGACAT-3'
Protein context (NP_002215.2, residues 466-486): QNDRRFVIQL[Leu476Pro]EDLVFFVSDV

ClinVar aggregate classification (germline): Uncertain significance (1 of 4 stars; one submission).

Conditions:
Immunodeficiency 133 with ectodermal dysplasia with or without peripheral neuropathy. Identifiers: MedGen C6012744, MONDO:0979570, OMIM 621254.

Submission:

Diagnostics Services (NGS), CSIR - Centre For Cellular And Molecular Biology
Classification: Uncertain significance for Immunodeficiency 133 with ectodermal dysplasia with or without peripheral neuropathy. Last evaluated: 2026-04-17. Review status: criteria provided, single submitter. Criteria: ACMG Guidelines, 2015. Collection method: clinical testing. Allele origin: germline. Affected: yes. Observed: 1 variant allele, 1 heterozygote.
Comment: The c.1427T>C variant is not present in 1000 Genomes, EVS, gnomAD, Indian Exome Database or our internal database. This variant has neither been published in the literature for ITPR3-related conditions nor reported to clinical databases like HGMD, ClinVar or OMIM in any affected individuals. In-silico pathogenicity prediction programs like SIFT, Polyphen-2, MutationTaster2021, CADD etc predicted this variant to be likely deleterious however these predictions were not confirmed by published functional studies.